The following is an entry in ClinVar:

NM_000078.3(CETP):c.311A>G (p.Gln104Arg)

Gene: CETP (cholesteryl ester transfer protein; plus strand). Cytogenetic location: 16q13.
Variant type: single nucleotide variant.
Coding change: c.311A>G on transcript NM_000078.3 (MANE Select); coding-DNA position 311, A replaced by G.
Protein change: p.Gln104Arg; replaces glutamine 104 with arginine.
Molecular consequence: missense variant.
Genome position (GRCh38, 1-based): chr16:56,969,463, A>G. VCF-style: chr16-56969463-A-G. GRCh37 (hg19) VCF-style: chr16-57003375-A-G.
Other names: c.311A>G, p.Gln104Arg (NM_001286085.2); short protein forms Q104R.
Identifiers: ClinVar variation 885590 (VCV000885590.8), dbSNP rs765716703, ClinGen allele CA8070864.

ClinVar aggregate classification (germline): Uncertain significance. Review status: criteria provided, multiple submitters, no conflicts (2 of 4 stars). 2 submissions from 2 submitters: Uncertain significance (2). Last evaluated 2022-08-07.

Conditions:
Hyperalphalipoproteinemia 1 (HALP1). Also called: CETP-Related Hyperalphalipoproteinemia; CETP DEFICIENCY. Identifiers: MedGen C3149462, OMIM 143470.

Allele frequency attached by ClinVar (database versions not stated): gnomAD exomes below 0.00001; ExAC 0.00001; TOPMed 0.00001.

Submissions (2):

Labcorp Genetics (formerly Invitae), Labcorp
Classification: Uncertain significance. Last evaluated: 2022-08-07. Review status: criteria provided, single submitter. Criteria: Invitae Variant Classification Sherloc (09022015). Collection method: clinical testing. Allele origin: germline.
Comment: In summary, the available evidence is currently insufficient to determine the role of this variant in disease. Therefore, it has been classified as a Variant of Uncertain Significance. Algorithms developed to predict the effect of missense changes on protein structure and function output the following: SIFT: "Tolerated"; PolyPhen-2: "Benign"; Align-GVGD: "Class C0". The arginine amino acid residue is found in multiple mammalian species, which suggests that this missense change does not adversely affect protein function. ClinVar contains an entry for this variant (Variation ID: 885590). This variant has not been reported in the literature in individuals affected with CETP-related conditions. This variant is present in population databases (rs765716703, gnomAD 0.006%). This sequence change replaces glutamine, which is neutral and polar, with arginine, which is basic and polar, at codon 104 of the CETP protein (p.Gln104Arg).

Illumina Laboratory Services, Illumina
Classification: Uncertain significance for Hyperalphalipoproteinemia 1. Last evaluated: 2018-04-20. Review status: criteria provided, single submitter. Criteria: ICSL Variant Classification Criteria 13 December 2019. Collection method: clinical testing. Allele origin: germline.